The following is an entry in ClinVar:

ClinVar aggregate classification (germline): Uncertain significance (1 of 4 stars; one submission).

Conditions:
Neurofibromatosis, type 1 (NF1). Also called: Peripheral type neurofibromatosis; Neurofibromatosis, type I; VON RECKLINGHAUSEN DISEASE; NEUROFIBROMATOSIS, TYPE I, SOMATIC. Identifiers: Orphanet 636, MedGen C0027831, MONDO:0018975, OMIM 162200. Disease mechanism: loss of function.

Submission:

Labcorp Genetics (formerly Invitae), Labcorp
Classification: Uncertain significance for Neurofibromatosis, type 1. Last evaluated: 2025-05-27. Review status: criteria provided, single submitter. Criteria: Invitae Variant Classification Sherloc (09022015). Collection method: clinical testing. Allele origin: germline.
Comment: This sequence change replaces serine, which is neutral and polar, with threonine, which is neutral and polar, at codon 1331 of the NF1 protein (p.Ser1331Thr). This variant is not present in population databases (gnomAD no frequency). This variant has not been reported in the literature in individuals affected with NF1-related conditions. ClinVar contains an entry for this variant (Variation ID: 580115). Invitae Evidence Modeling of protein sequence and biophysical properties (such as structural, functional, and spatial information, amino acid conservation, physicochemical variation, residue mobility, and thermodynamic stability) indicates that this missense variant is not expected to disrupt NF1 protein function with a negative predictive value of 95%. In summary, the available evidence is currently insufficient to determine the role of this variant in disease. Therefore, it has been classified as a Variant of Uncertain Significance.

NM_001042492.3(NF1):c.3992G>C (p.Ser1331Thr)

Gene: NF1 (neurofibromin 1; plus strand). Cytogenetic location: 17q11.2.
Variant type: single nucleotide variant.
Coding change: c.3992G>C on transcript NM_001042492.3 (MANE Select); coding-DNA position 3992, G replaced by C.
Protein change: p.Ser1331Thr; replaces serine 1331 with threonine.
Molecular consequence: missense variant.
Genome position (GRCh38, 1-based): chr17:31,249,001, G>C. VCF-style: chr17-31249001-G-C. GRCh37 (hg19) VCF-style: chr17-29576019-G-C.
Other names: c.3992G>C, p.Ser1331Thr (NM_000267.4); short protein forms S1331T.
Identifiers: ClinVar variation 580115 (VCV000580115.5), dbSNP rs1567858266, ClinGen allele CA398994842.
Genomic context (GRCh38, chr17:31,249,001, plus strand): 5'-TTTTAAACAAAAGTGTTAGGATTTTATTTTTATTTTTTTGTAGGTTAGAACCATCAGAGA[G>C]CCTTGAGGAAAACCAGCGGAACCTCCTTCAGATGACTGAAAAGTTCTTCCATGCCATCAT-3'
Protein context (NP_001035957.1, residues 1321-1341): VDPTRLEPSE[Ser1331Thr]LEENQRNLLQ